The following is an entry in ClinVar:

ClinVar aggregate classification (germline): Pathogenic (1 of 4 stars; one submission).

Submission:

GeneDx
Classification: Pathogenic. Last evaluated: 2024-02-12. Review status: criteria provided, single submitter. Criteria: GeneDx Variant Classification Process June 2021. Collection method: clinical testing. Allele origin: germline. Affected: yes.
Comment: Nonsense variant predicted to result in protein truncation or nonsense mediated decay in a gene for which loss of function is a known mechanism of disease; Not observed at significant frequency in large population cohorts (gnomAD); This variant is associated with the following publications: (PMID: 30105367, 32702353)

NM_001034853.2(RPGR):c.2200G>T (p.Glu734Ter)

Gene: RPGR (retinitis pigmentosa GTPase regulator; minus strand). Cytogenetic location: Xp11.4.
Variant type: single nucleotide variant.
Coding change: c.2200G>T on transcript NM_001034853.2 (MANE Select); coding-DNA position 2200, G replaced by T.
Protein change: p.Glu734Ter; replaces glutamic acid 734 with a stop codon.
Molecular consequence: nonsense. On other transcripts: intron variant (8).
Genome position (GRCh38, 1-based): chrX:38,286,799, C>A on the plus strand (G>T on the coding strand, the complement: RPGR is on the minus strand). VCF-style: chrX-38286799-C-A. GRCh37 (hg19) VCF-style: chrX-38146052-C-A.
Other names: c.1569+4160G>T (NM_001367249.1, NM_001367250.1); c.1902+295G>T (NM_001367245.1); c.1386+4160G>T (NM_001367251.1); c.1719+295G>T (NM_001367246.1); c.1572+4160G>T (NM_001367247.1); c.1905+295G>T (NM_000328.3); c.1602+4160G>T (NM_001367248.1); short protein forms E734*.
Identifiers: ClinVar variation 3340607 (VCV003340607.1).